The following is an entry in ClinVar:

NM_001122752.2(SERPINI1):c.508A>G (p.Arg170Gly)

Gene: SERPINI1 (serpin family I member 1; plus strand). Cytogenetic location: 3q26.1.
Variant type: single nucleotide variant.
Coding change: c.508A>G on transcript NM_001122752.2 (MANE Select); coding-DNA position 508, A replaced by G.
Protein change: p.Arg170Gly; replaces arginine 170 with glycine.
Molecular consequence: missense variant.
Genome position (GRCh38, 1-based): chr3:167,792,616, A>G. VCF-style: chr3-167792616-A-G. GRCh37 (hg19) VCF-style: chr3-167510404-A-G.
Other names: c.508A>G, p.Arg170Gly (NM_005025.5); short protein forms R170G.
Identifiers: ClinVar variation 570487 (VCV000570487.37), dbSNP rs774989939, ClinGen allele CA2694827.

ClinVar aggregate classification (germline): Conflicting classifications of pathogenicity. Review status: criteria provided, conflicting classifications (1 of 4 stars). 4 submissions from 4 submitters: Uncertain significance (1); Likely benign (2). 1 of the submissions does not count toward it. Last evaluated 2026-01-19.

Conditions:
SERPINI1-related disorder. Also called: SERPINI1-related condition.
Familial encephalopathy with neuroserpin inclusion bodies. Also called: ENCEPHALOPATHY, FAMILIAL, WITH COLLINS BODIES. Identifiers: Orphanet 85110, MedGen C1858680, MONDO:0011412, OMIM 604218.

Allele frequency attached by ClinVar (database versions not stated): ExAC 0.00005; gnomAD exomes 0.00006 and 0.00007; TOPMed 0.00007; gnomAD 0.00013.
gnomAD v4.1: 109 of 1,613,550 alleles (0.0068%); highest among the groups gnomAD compares: Non-Finnish European, 0.0086%; no homozygotes.

Submissions (4):

Labcorp Genetics (formerly Invitae), Labcorp
Classification: Uncertain significance for Familial encephalopathy with neuroserpin inclusion bodies. Last evaluated: 2026-01-19. Review status: criteria provided, single submitter. Criteria: Invitae Variant Classification Sherloc (09022015). Collection method: clinical testing. Allele origin: germline.
Comment: This sequence change replaces arginine, which is basic and polar, with glycine, which is neutral and non-polar, at codon 170 of the SERPINI1 protein (p.Arg170Gly). This variant is present in population databases (rs774989939, gnomAD 0.01%). This variant has not been reported in the literature in individuals affected with SERPINI1-related conditions. ClinVar contains an entry for this variant (Variation ID: 570487). Invitae Evidence Modeling of protein sequence and biophysical properties (such as structural, functional, and spatial information, amino acid conservation, physicochemical variation, residue mobility, and thermodynamic stability) indicates that this missense variant is not expected to disrupt SERPINI1 protein function with a negative predictive value of 95%. In summary, the available evidence is currently insufficient to determine the role of this variant in disease. Therefore, it has been classified as a Variant of Uncertain Significance.

Blueprint Genetics
Classification: Likely benign. Last evaluated: 2024-11-22. Review status: criteria provided, single submitter. Criteria: ACMG Guidelines, 2015. Collection method: clinical testing. Allele origin: germline.

CeGaT Center for Human Genetics Tuebingen
Classification: Likely benign. Last evaluated: 2023-05-01. Review status: criteria provided, single submitter. Criteria: CeGaT Center For Human Genetics Tuebingen Variant Classification Criteria Version 2. Collection method: clinical testing. Allele origin: germline. Affected: yes. Observed: 2 variant alleles.
Comment: SERPINI1: BP4

PreventionGenetics, part of Exact Sciences
Classification: Uncertain significance for SERPINI1-related condition. Last evaluated: 2023-11-22. Review status: no assertion criteria provided. Collection method: clinical testing. Allele origin: germline. Not counted in ClinVar's aggregate classification.
Comment: The SERPINI1 c.508A>G variant is predicted to result in the amino acid substitution p.Arg170Gly. To our knowledge, this variant has not been reported in the literature. This variant is reported in 0.013% of alleles in individuals of European (Non-Finnish) descent in gnomAD. At this time, the clinical significance of this variant is uncertain due to the absence of conclusive functional and genetic evidence.